The following is an entry in ClinVar:

NM_003922.4(HERC1):c.14492G>A (p.Arg4831His)

Gene: HERC1 (HECT and RLD domain containing E3 ubiquitin protein ligase family member 1; minus strand). Cytogenetic location: 15q22.31.
Variant type: single nucleotide variant.
Coding change: c.14492G>A on transcript NM_003922.4 (MANE Select); coding-DNA position 14492, G replaced by A.
Protein change: p.Arg4831His; replaces arginine 4831 with histidine.
Molecular consequence: missense variant.
Genome position (GRCh38, 1-based): chr15:63,609,175, C>T on the plus strand (G>A on the coding strand, the complement: HERC1 is on the minus strand). VCF-style: chr15-63609175-C-T. GRCh37 (hg19) VCF-style: chr15-63901374-C-T.
Other names: short protein forms R4831H.
Identifiers: ClinVar variation 1448815 (VCV001448815.6), dbSNP rs757210641, ClinGen allele CA7603471.

ClinVar aggregate classification (germline): Uncertain significance (1 of 4 stars; one submission).

Allele frequency attached by ClinVar (database versions not stated): gnomAD exomes 0.00002; ExAC 0.00003.
gnomAD v4.1: 24 of 1,613,716 alleles (0.0015%); highest among the groups gnomAD compares: South Asian, 0.015%; no homozygotes.

Submission:

Labcorp Genetics (formerly Invitae), Labcorp
Classification: Uncertain significance. Last evaluated: 2022-09-07. Review status: criteria provided, single submitter. Criteria: Invitae Variant Classification Sherloc (09022015). Collection method: clinical testing. Allele origin: germline.
Comment: This sequence change replaces arginine, which is basic and polar, with histidine, which is basic and polar, at codon 4831 of the HERC1 protein (p.Arg4831His). This variant is present in population databases (rs757210641, gnomAD 0.02%). This variant has not been reported in the literature in individuals affected with HERC1-related conditions. ClinVar contains an entry for this variant (Variation ID: 1448815). Algorithms developed to predict the effect of missense changes on protein structure and function (SIFT, PolyPhen-2, Align-GVGD) all suggest that this variant is likely to be disruptive. In summary, the available evidence is currently insufficient to determine the role of this variant in disease. Therefore, it has been classified as a Variant of Uncertain Significance.